The following is an entry in ClinVar:

NM_004006.3(DMD):c.2936T>C (p.Leu979Pro)

Gene: DMD (dystrophin; minus strand). Cytogenetic location: Xp21.1.
Variant type: single nucleotide variant.
Coding change: c.2936T>C on transcript NM_004006.3 (MANE Select); coding-DNA position 2936, T replaced by C.
Protein change: p.Leu979Pro; replaces leucine 979 with proline.
Molecular consequence: missense variant.
Genome position (GRCh38, 1-based): chrX:32,472,177, A>G on the plus strand (T>C on the coding strand, the complement: DMD is on the minus strand). VCF-style: chrX-32472177-A-G. GRCh37 (hg19) VCF-style: chrX-32490294-A-G.
Other names: c.2912T>C, p.Leu971Pro (NM_000109.4); c.2924T>C, p.Leu975Pro (NM_004009.3); c.2567T>C, p.Leu856Pro (NM_004010.3); short protein forms L856P, L971P, L975P, L979P.
Identifiers: ClinVar variation 4070852 (VCV004070852.1).

ClinVar aggregate classification (germline): Uncertain significance (1 of 4 stars; one submission).

Submission:

GeneDx
Classification: Uncertain significance. Last evaluated: 2025-01-21. Review status: criteria provided, single submitter. Criteria: GeneDx Variant Classification Process June 2021. Collection method: clinical testing. Allele origin: germline. Affected: yes.
Comment: Not observed at significant frequency in large population cohorts (gnomAD); In silico analysis supports that this missense variant has a deleterious effect on protein structure/function; Has not been previously published as pathogenic or benign to our knowledge